The following is an entry in ClinVar:

NM_014516.4(CNOT3):c.373G>A (p.Gly125Ser)

Gene: CNOT3 (CCR4-NOT transcription complex subunit 3; plus strand). Cytogenetic location: 19q13.42.
Variant type: single nucleotide variant.
Coding change: c.373G>A on transcript NM_014516.4 (MANE Select); coding-DNA position 373, G replaced by A.
Protein change: p.Gly125Ser; replaces glycine 125 with serine.
Molecular consequence: missense variant. On other transcripts: 5 prime UTR variant (2), non-coding transcript variant (2).
Genome position (GRCh38, 1-based): chr19:54,144,120, G>A. VCF-style: chr19-54144120-G-A. GRCh37 (hg19) VCF-style: chr19-54647856-G-A.
Other names: c.373G>A, p.Gly125Ser (NM_001440653.1, NM_001440654.1, NM_001440655.1 and 7 more transcripts); c.-227G>A (NM_001440659.1, NM_001440660.1); short protein forms G125S.
Identifiers: ClinVar variation 5017151 (VCV005017151.1).

ClinVar aggregate classification (germline): Uncertain significance (1 of 4 stars; one submission).

Submission:

GeneDx
Classification: Uncertain significance. Last evaluated: 2026-03-22. Review status: criteria provided, single submitter. Criteria: GeneDx Variant Classification Process June 2021. Collection method: clinical testing. Allele origin: germline.
Comment: Not observed at significant frequency in large population cohorts (gnomAD); In silico analysis suggests that this missense variant does not alter protein structure/function; In silico analysis suggests this variant may impact gene splicing. In the absence of RNA/functional studies, the actual effect of this sequence change is unknown.; Has not been previously published as pathogenic or benign to our knowledge